The following is an entry in ClinVar:

NM_000492.4(CFTR):c.3337G>T (p.Ala1113Ser)

Genes: CFTR (CF transmembrane conductance regulator; plus strand), CFTR-AS2 (CFTR antisense RNA 2; minus strand), LOC111674472 (DNase I hypersensitive sites in introns 16 and 17a of CFTR; plus strand). Cytogenetic location: 7q31.2.
Variant type: single nucleotide variant.
Coding change: c.3337G>T on transcript NM_000492.4 (MANE Select); coding-DNA position 3337, G replaced by T.
Protein change: p.Ala1113Ser; replaces alanine 1113 with serine.
Molecular consequence: missense variant.
Genome position (GRCh38, 1-based): chr7:117,611,778, G>T. VCF-style: chr7-117611778-G-T. GRCh37 (hg19) VCF-style: chr7-117251832-G-T.
Other names: short protein forms A1113S.
Identifiers: ClinVar variation 4700418 (VCV004700418.1).

ClinVar aggregate classification (germline): Uncertain significance (1 of 4 stars; one submission).

Conditions:
Cystic fibrosis (CF). Also called: MUCOVISCIDOSIS. Identifiers: Orphanet 586, MedGen C0010674, MONDO:0009061, OMIM 219700. Disease mechanism: loss of function.

gnomAD v4.1: 1 of 1,612,470 alleles (0.000062%); highest among the groups gnomAD compares: South Asian, 0.0011%; no homozygotes.

Submission:

Labcorp Genetics (formerly Invitae), Labcorp
Classification: Uncertain significance for Cystic fibrosis. Last evaluated: 2025-05-15. Review status: criteria provided, single submitter. Criteria: Invitae Variant Classification Sherloc (09022015). Collection method: clinical testing. Allele origin: germline.
Comment: This sequence change replaces alanine, which is neutral and non-polar, with serine, which is neutral and polar, at codon 1113 of the CFTR protein (p.Ala1113Ser). This variant is not present in population databases (gnomAD no frequency). This variant has not been reported in the literature in individuals affected with CFTR-related conditions. Invitae Evidence Modeling of protein sequence and biophysical properties (such as structural, functional, and spatial information, amino acid conservation, physicochemical variation, residue mobility, and thermodynamic stability) indicates that this missense variant is not expected to disrupt CFTR protein function with a negative predictive value of 80%. In summary, the available evidence is currently insufficient to determine the role of this variant in disease. Therefore, it has been classified as a Variant of Uncertain Significance.